The following is an entry in ClinVar:

ClinVar aggregate classification (germline): Conflicting classifications of pathogenicity. Review status: criteria provided, conflicting classifications (1 of 4 stars). 6 submissions from 6 submitters: Uncertain significance (4); Likely benign (1). 1 of the submissions does not count toward it. Last evaluated 2025-04-07.

Conditions:
Inborn genetic diseases. Identifiers: MedGen C0950123, MeSH D030342.
ADGRV1-related disorder. Also called: ADGRV1-related disorders; ADGRV1-related condition.

Allele frequency attached by ClinVar (database versions not stated): TOPMed 0.00005; gnomAD 0.00004; ExAC 0.00005.
gnomAD v4.1: 88 of 1,612,628 alleles (0.0055%); highest among the groups gnomAD compares: Non-Finnish European, 0.0073%; no homozygotes.

Submissions (6):

GeneDx
Classification: Uncertain significance. Last evaluated: 2025-04-07. Review status: criteria provided, single submitter. Criteria: GeneDx Variant Classification Process June 2021. Collection method: clinical testing. Allele origin: germline. Affected: yes.
Comment: Not observed at significant frequency in large population cohorts (gnomAD); In silico analysis indicates that this missense variant does not alter protein structure/function; Has not been previously published as pathogenic or benign to our knowledge

Labcorp Genetics (formerly Invitae), Labcorp
Classification: Likely benign. Last evaluated: 2024-10-29. Review status: criteria provided, single submitter. Criteria: Invitae Variant Classification Sherloc (09022015). Collection method: clinical testing. Allele origin: germline.

Ambry Genetics
Classification: Uncertain significance for Inborn genetic diseases. Last evaluated: 2023-11-29. Review status: criteria provided, single submitter. Criteria: Ambry Variant Classification Scheme 2023. Collection method: clinical testing. Allele origin: germline.

Blueprint Genetics
Classification: Uncertain significance. Last evaluated: 2023-04-14. Review status: criteria provided, single submitter. Criteria: ACMG Guidelines, 2015. Collection method: clinical testing. Allele origin: germline.

Laboratory for Molecular Medicine, Mass General Brigham Personalized Medicine
Classification: Uncertain significance. Last evaluated: 2019-09-13. Review status: criteria provided, single submitter. Criteria: LMM Criteria. Collection method: clinical testing. Allele origin: germline. Observed: 2 variant alleles.
Comment: This variant has been identified in 0.006% (7/127244) of European chromosomes by gnomAD. Computational prediction tools and conservation analysis do not provide strong support for or against an impact to the protein. In summary, the clinical significance of this variant is uncertain. ACMG/AMP Criteria applied: PM2.

PreventionGenetics, part of Exact Sciences
Classification: Uncertain significance for ADGRV1-related condition. Last evaluated: 2024-08-23. Review status: no assertion criteria provided. Collection method: clinical testing. Allele origin: germline. Not counted in ClinVar's aggregate classification.
Comment: The ADGRV1 c.6578T>C variant is predicted to result in the amino acid substitution p.Ile2193Thr. To our knowledge, this variant has not been reported in the literature. This variant is reported in 0.0055% of alleles in individuals of European (Non-Finnish) descent in gnomAD. At this time, the clinical significance of this variant is uncertain due to the absence of conclusive functional and genetic evidence.

NM_032119.4(ADGRV1):c.6578T>C (p.Ile2193Thr)

Gene: ADGRV1 (adhesion G protein-coupled receptor V1; plus strand). Cytogenetic location: 5q14.3.
Variant type: single nucleotide variant.
Coding change: c.6578T>C on transcript NM_032119.4 (MANE Select); coding-DNA position 6578, T replaced by C.
Protein change: p.Ile2193Thr; replaces isoleucine 2193 with threonine.
Molecular consequence: missense variant. On other transcripts: non-coding transcript variant (1).
Genome position (GRCh38, 1-based): chr5:90,689,948, T>C. VCF-style: chr5-90689948-T-C. GRCh37 (hg19) VCF-style: chr5-89985765-T-C.
Other names: c.6578T>C (NM_032119.3); short protein forms I2193T.
Identifiers: ClinVar variation 929892 (VCV000929892.12), dbSNP rs201999622, ClinGen allele CA3339831.
Genomic context (GRCh38, chr5:90,689,948, plus strand): 5'-ATGTGGTCTTGCTAGAAGGGGAAACCAGTAAAGCCGTGCCAATATATGTCATTAATGATA[T>C]CTATCCTGAACTGGAAGAATCTTTTCTTGTGCAACTGATGAATGAAACAACAGGAGGAGC-3'
Protein context (NP_115495.3, residues 2183-2203): KAVPIYVIND[Ile2193Thr]YPELEESFLV